The following is an entry in ClinVar:

NM_001322934.2(NFKB2):c.1390T>A (p.Tyr464Asn)

Gene: NFKB2 (nuclear factor kappa B subunit 2; plus strand). Cytogenetic location: 10q24.32.
Variant type: single nucleotide variant.
Coding change: c.1390T>A on transcript NM_001322934.2 (MANE Select); coding-DNA position 1390, T replaced by A.
Protein change: p.Tyr464Asn; replaces tyrosine 464 with asparagine.
Molecular consequence: missense variant.
Genome position (GRCh38, 1-based): chr10:102,399,639, T>A. VCF-style: chr10-102399639-T-A. GRCh37 (hg19) VCF-style: chr10-104159396-T-A.
Other names: c.1390T>A, p.Tyr464Asn (NM_001077494.3, NM_001261403.3, NM_001288724.1 and 1 more transcripts); c.1264T>A, p.Tyr422Asn (NM_001322935.1); short protein forms Y464N, Y422N.
Identifiers: ClinVar variation 4771273 (VCV004771273.1).
Genomic context (GRCh38, chr10:102,399,639, plus strand): 5'-CGAGAGTACAACGCGCGCCTGTTCGGCCTGGCGCAGCGCAGCGCCCGAGCCCTACTCGAC[T>A]ACGGCGTCACCGCGGACGCGCGCGCGCTGCTGGCGGGACAGCGCCACCTGCTGACGGCGC-3'
Protein context (NP_001309863.1, residues 454-474): AQRSARALLD[Tyr464Asn]GVTADARALL

ClinVar aggregate classification (germline): Uncertain significance (1 of 4 stars; one submission).

Conditions:
Immunodeficiency, common variable, 10. Also called: IMMUNODEFICIENCY, COMMON VARIABLE, WITH CENTRAL ADRENAL INSUFFICIENCY; DEFICIT IN ANTERIOR PITUITARY FUNCTION AND VARIABLE IMMUNODEFICIENCY. Identifiers: MedGen C3809991, MONDO:0014260, OMIM 615577.

Submission:

Labcorp Genetics (formerly Invitae), Labcorp
Classification: Uncertain significance for Immunodeficiency, common variable, 10. Last evaluated: 2025-12-01. Review status: criteria provided, single submitter. Criteria: Invitae Variant Classification Sherloc (09022015). Collection method: clinical testing. Allele origin: germline.
Comment: This sequence change replaces tyrosine, which is neutral and polar, with asparagine, which is neutral and polar, at codon 464 of the NFKB2 protein (p.Tyr464Asn). This variant is not present in population databases (gnomAD no frequency). This variant has not been reported in the literature in individuals affected with NFKB2-related conditions. An algorithm developed to predict the effect of missense changes on protein structure and function (PolyPhen-2) suggests that this variant is likely to be disruptive. In summary, the available evidence is currently insufficient to determine the role of this variant in disease. Therefore, it has been classified as a Variant of Uncertain Significance.